The following is an entry in ClinVar:

ClinVar aggregate classification (germline): Uncertain significance. Review status: reviewed by expert panel (3 of 4 stars). 3 submissions from 3 submitters: Uncertain significance (1). 2 of the submissions do not count toward it. Last evaluated 2024-10-29.

Conditions:
Hereditary thrombocytopenia and hematologic cancer predisposition syndrome. Identifiers: Orphanet 71290, MedGen CN281654, MONDO:0011071.
Inborn genetic diseases. Identifiers: MedGen C0950123, MeSH D030342.
Hereditary thrombocytopenia and hematological cancer predisposition syndrome associated with RUNX1. Also called: RUNX1 Familial Platelet Disorder with Associated Myeloid Malignancies; Familial Platelet Disorder with Propensity to Acute Myelogenous Leukemia; Familial thrombocytopenia with propensity to acute myelogenous leukemia; PLATELET DISORDER, ASPIRIN-LIKE. Identifiers: Orphanet 71290, MedGen C1832388, MeSH C563324, MONDO:0100083, OMIM 601399.

Allele frequency attached by ClinVar (database versions not stated): gnomAD exomes below 0.00001.
gnomAD v4.1: 1 of 1,614,164 alleles (0.000062%); highest among the groups gnomAD compares: Non-Finnish European, 0.000085%; no homozygotes.

Submissions (3):

ClinGen Myeloid Malignancy Variant Curation Expert Panel
Classification: Uncertain significance for Hereditary thrombocytopenia and hematologic cancer predisposition syndrome. Last evaluated: 2024-10-29. Review status: reviewed by expert panel. Criteria: ClinGen MyeloMalig ACMG Specifications v2. Collection method: curation. Allele origin: germline. Inheritance: Autosomal dominant inheritance.
Comment: NM_001754.5(RUNX1):c.886G>A (p.Val296Met) is a missense variant which has a REVEL score < 0.50 (0.141) and a SpliceAI score ≤ 0.20 (0.0) (BP4). This variant is completely absent from all population databases with at least 20x coverage for RUNX1 (PM2_Supporting). In summary, the clinical significance of this variant is uncertain. ACMG/AMP criteria applied, as specified by the Myeloid Malignancy Variant Curation Expert Panel for RUNX1: BP4, PM2_supporting.

Ambry Genetics
Classification: Uncertain significance for Inborn genetic diseases. Last evaluated: 2026-03-07. Review status: criteria provided, single submitter. Criteria: Ambry Variant Classification Scheme 2023. Collection method: clinical testing. Allele origin: germline. Not counted in ClinVar's aggregate classification.
Comment: The p.V296M variant (also known as c.886G>A), located in coding exon 7 of the RUNX1 gene, results from a G to A substitution at nucleotide position 886. The valine at codon 296 is replaced by methionine, an amino acid with highly similar properties. This amino acid position is conserved. In addition, this alteration is predicted to be tolerated by in silico analysis. Based on the available evidence, the clinical significance of this variant remains unclear.

Labcorp Genetics (formerly Invitae), Labcorp
Classification: Uncertain significance for Hereditary thrombocytopenia and hematological cancer predisposition syndrome associated with RUNX1. Last evaluated: 2021-11-04. Review status: criteria provided, single submitter. Criteria: Invitae Variant Classification Sherloc (09022015). Collection method: clinical testing. Allele origin: germline. Not counted in ClinVar's aggregate classification.
Comment: This variant has not been reported in the literature in individuals affected with RUNX1-related conditions. This sequence change replaces valine, which is neutral and non-polar, with methionine, which is neutral and non-polar, at codon 296 of the RUNX1 protein (p.Val296Met). This variant is not present in population databases (gnomAD no frequency). Algorithms developed to predict the effect of missense changes on protein structure and function (SIFT, PolyPhen-2, Align-GVGD) all suggest that this variant is likely to be tolerated. In summary, the available evidence is currently insufficient to determine the role of this variant in disease. Therefore, it has been classified as a Variant of Uncertain Significance.

NM_001754.5(RUNX1):c.886G>A (p.Val296Met)

Gene: RUNX1 (RUNX family transcription factor 1; minus strand). Cytogenetic location: 21q22.12.
Variant type: single nucleotide variant.
Coding change: c.886G>A on transcript NM_001754.5 (MANE Select); coding-DNA position 886, G replaced by A.
Protein change: p.Val296Met; replaces valine 296 with methionine.
Molecular consequence: missense variant.
Genome position (GRCh38, 1-based): chr21:34,799,382, C>T on the plus strand (G>A on the coding strand, the complement: RUNX1 is on the minus strand). VCF-style: chr21-34799382-C-T. GRCh37 (hg19) VCF-style: chr21-36171679-C-T.
Other names: NM_001754.5(RUNX1):c.886G>A; p.Val296Met; c.805G>A, p.Val269Met (NM_001001890.3); c.886G>A (NM_001754.4); short protein forms V269M, V296M.
Identifiers: ClinVar variation 1507190 (VCV001507190.8), dbSNP rs2145908772, ClinGen allele CA410149725.